The following is an entry in ClinVar:

NM_015338.6(ASXL1):c.557C>T (p.Ser186Phe)

Gene: ASXL1 (ASXL transcriptional regulator 1; plus strand). Cytogenetic location: 20q11.21.
Variant type: single nucleotide variant.
Coding change: c.557C>T on transcript NM_015338.6 (MANE Select); coding-DNA position 557, C replaced by T.
Protein change: p.Ser186Phe; replaces serine 186 with phenylalanine.
Molecular consequence: missense variant.
Genome position (GRCh38, 1-based): chr20:32,429,423, C>T. VCF-style: chr20-32429423-C-T. GRCh37 (hg19) VCF-style: chr20-31017226-C-T.
Other names: c.527C>T, p.Ser176Phe (NM_001363734.1); short protein forms S176F, S186F.
Identifiers: ClinVar variation 1320385 (VCV001320385.2), dbSNP rs2123217767, ClinGen allele CA408552661.
Genomic context (GRCh38, chr20:32,429,423, plus strand): 5'-GGGTGATGCTGCCTCGAGTTGTCCTGACTCCTCTGAAGGTAAACGGGGCCCACGTGGAAT[C>T]TGCATCAGGTATGTGTAAACTCATGGTTGTGATGCTTTTTCCTCAGGTCCTGGGGACCTG-3'
Protein context (NP_056153.2, residues 176-196): PLKVNGAHVE[Ser186Phe]ASGFSGCHAD

ClinVar aggregate classification (germline): Uncertain significance (1 of 4 stars; one submission).

Submission:

GeneDx
Classification: Uncertain significance. Last evaluated: 2019-08-02. Review status: criteria provided, single submitter. Criteria: GeneDx Variant Classification Process June 2021. Collection method: clinical testing. Allele origin: germline. Affected: yes.
Comment: Not observed in large population cohorts (Lek et al., 2016); In silico analysis, which includes protein predictors and evolutionary conservation, supports a deleterious effect; Has not been previously published as pathogenic or benign to our knowledge